The following is an entry in ClinVar:

ClinVar aggregate classification (germline): Uncertain significance. Review status: criteria provided, multiple submitters, no conflicts (2 of 4 stars). 4 submissions from 4 submitters: Uncertain significance (3). 1 of the submissions does not count toward it. Last evaluated 2025-09-28.

Conditions:
SCLT1-related disorder. Also called: SCLT1-related condition.

Allele frequency attached by ClinVar (database versions not stated): gnomAD exomes 0.00001 and 0.00002; ExAC 0.00002; gnomAD 0.00003 and 0.00005; TOPMed 0.00019; 1000 Genomes Project 0.00020; 1000 Genomes Project 30x 0.00031.
gnomAD v4.1: 17 of 1,610,724 alleles (0.0011%); highest among the groups gnomAD compares: Admixed American, 0.02%; no homozygotes.

Submissions (4):

Labcorp Genetics (formerly Invitae), Labcorp
Classification: Uncertain significance. Last evaluated: 2025-09-28. Review status: criteria provided, single submitter. Criteria: Invitae Variant Classification Sherloc (09022015). Collection method: clinical testing. Allele origin: germline.
Comment: This sequence change replaces glutamine, which is neutral and polar, with glutamic acid, which is acidic and polar, at codon 645 of the SCLT1 protein (p.Gln645Glu). This variant is present in population databases (rs201260499, gnomAD 0.003%). This variant has not been reported in the literature in individuals affected with SCLT1-related conditions. ClinVar contains an entry for this variant (Variation ID: 1502936). An algorithm developed to predict the effect of missense changes on protein structure and function outputs the following: PolyPhen-2: "Benign". The glutamic acid amino acid residue is found in multiple mammalian species, which suggests that this missense change does not adversely affect protein function. In summary, the available evidence is currently insufficient to determine the role of this variant in disease. Therefore, it has been classified as a Variant of Uncertain Significance.

Blueprint Genetics
Classification: Uncertain significance. Last evaluated: 2024-02-22. Review status: criteria provided, single submitter. Criteria: ACMG Guidelines, 2015. Collection method: clinical testing. Allele origin: germline.

Ambry Genetics
Classification: Uncertain significance. Last evaluated: 2021-08-02. Review status: criteria provided, single submitter. Criteria: Ambry Variant Classification Scheme 2023. Collection method: clinical testing. Allele origin: germline.

PreventionGenetics, part of Exact Sciences
Classification: Uncertain significance for SCLT1-related condition. Last evaluated: 2024-08-02. Review status: no assertion criteria provided. Collection method: clinical testing. Allele origin: germline. Not counted in ClinVar's aggregate classification.
Comment: The SCLT1 c.1933C>G variant is predicted to result in the amino acid substitution p.Gln645Glu. To our knowledge, this variant has not been reported in the literature. This variant is reported in 0.0085% of alleles in individuals of Latino descent in gnomAD. At this time, the clinical significance of this variant is uncertain due to the absence of conclusive functional and genetic evidence.

NM_144643.4(SCLT1):c.1933C>G (p.Gln645Glu)

Gene: SCLT1 (sodium channel and clathrin linker 1; minus strand). Cytogenetic location: 4q28.2.
Variant type: single nucleotide variant.
Coding change: c.1933C>G on transcript NM_144643.4 (MANE Select); coding-DNA position 1933, C replaced by G.
Protein change: p.Gln645Glu; replaces glutamine 645 with glutamic acid.
Molecular consequence: missense variant.
Genome position (GRCh38, 1-based): chr4:128,888,750, G>C on the plus strand (C>G on the coding strand, the complement: SCLT1 is on the minus strand). VCF-style: chr4-128888750-G-C. GRCh37 (hg19) VCF-style: chr4-129809905-G-C.
Other names: c.1933C>G (NM_144643.3, NM_144643.2); short protein forms Q645E.
Identifiers: ClinVar variation 1502936 (VCV001502936.7), dbSNP rs201260499, ClinGen allele CA3079465.